The following is an entry in ClinVar:

ClinVar aggregate classification (germline): Uncertain significance (1 of 4 stars; one submission).

Conditions:
Hereditary pancreatitis (PCTT). Also called: Hereditary chronic pancreatitis; PRSS1-Related Hereditary Pancreatitis. Identifiers: Orphanet 676, MedGen C0238339, MONDO:0008185, OMIM 167800.

Allele frequency attached by ClinVar (database versions not stated): gnomAD exomes 0.00002; ExAC 0.00003; gnomAD 0.00003.
gnomAD v4.1: 13 of 1,614,106 alleles (0.00081%); highest among the groups gnomAD compares: Non-Finnish European, 0.000085%; no homozygotes.

Submission:

Ambry Genetics
Classification: Uncertain significance for Hereditary pancreatitis. Last evaluated: 2024-05-24. Review status: criteria provided, single submitter. Criteria: Ambry Variant Classification Scheme 2023. Collection method: clinical testing. Allele origin: germline.
Comment: The p.L124F variant (also known as c.370C>T), located in coding exon 5 of the CTRC gene, results from a C to T substitution at nucleotide position 370. The leucine at codon 124 is replaced by phenylalanine, an amino acid with highly similar properties. This amino acid position is conserved. In addition, this alteration is predicted to be deleterious by in silico analysis. Since supporting evidence is limited at this time, the clinical significance of this alteration remains unclear.

NM_007272.3(CTRC):c.370C>T (p.Leu124Phe)

Gene: CTRC (chymotrypsin C; plus strand). Cytogenetic location: 1p36.21.
Variant type: single nucleotide variant.
Coding change: c.370C>T on transcript NM_007272.3 (MANE Select); coding-DNA position 370, C replaced by T.
Protein change: p.Leu124Phe; replaces leucine 124 with phenylalanine.
Molecular consequence: missense variant.
Genome position (GRCh38, 1-based): chr1:15,443,432, C>T. VCF-style: chr1-15443432-C-T. GRCh37 (hg19) VCF-style: chr1-15769927-C-T.
Other names: short protein forms L124F.
Identifiers: ClinVar variation 1734182 (VCV001734182.3), dbSNP rs755318289, ClinGen allele CA613334.